The following is an entry in ClinVar:

NM_001365480.1(CCDC88A):c.1528C>A (p.Leu510Ile)

Gene: CCDC88A (coiled-coil domain containing 88A; minus strand). Cytogenetic location: 2p16.1.
Variant type: single nucleotide variant.
Coding change: c.1528C>A on transcript NM_001365480.1 (MANE Select); coding-DNA position 1528, C replaced by A.
Protein change: p.Leu510Ile; replaces leucine 510 with isoleucine.
Molecular consequence: missense variant.
Genome position (GRCh38, 1-based): chr2:55,336,809, G>T on the plus strand (C>A on the coding strand, the complement: CCDC88A is on the minus strand). VCF-style: chr2-55336809-G-T. GRCh37 (hg19) VCF-style: chr2-55563945-G-T.
Other names: c.1528C>A, p.Leu510Ile (NM_001135597.2, NM_001254943.2, NM_018084.5); short protein forms L510I.
Identifiers: ClinVar variation 2124134 (VCV002124134.3), dbSNP rs1051213910, ClinGen allele CA47606433.

ClinVar aggregate classification (germline): Uncertain significance (1 of 4 stars; one submission).

Allele frequency attached by ClinVar (database versions not stated): gnomAD 0.00001; TOPMed 0.00001; gnomAD exomes 0.00002.
gnomAD v4.1: 34 of 1,569,172 alleles (0.0022%); highest among the groups gnomAD compares: Non-Finnish European, 0.003%; no homozygotes.

Submission:

Labcorp Genetics (formerly Invitae), Labcorp
Classification: Uncertain significance. Last evaluated: 2022-04-10. Review status: criteria provided, single submitter. Criteria: Invitae Variant Classification Sherloc (09022015). Collection method: clinical testing. Allele origin: germline.
Comment: This variant is present in population databases (no rsID available, gnomAD 0.002%). This sequence change replaces leucine, which is neutral and non-polar, with isoleucine, which is neutral and non-polar, at codon 510 of the CCDC88A protein (p.Leu510Ile). This variant has not been reported in the literature in individuals affected with CCDC88A-related conditions. In summary, the available evidence is currently insufficient to determine the role of this variant in disease. Therefore, it has been classified as a Variant of Uncertain Significance. Algorithms developed to predict the effect of missense changes on protein structure and function are either unavailable or do not agree on the potential impact of this missense change (SIFT: "Tolerated"; PolyPhen-2: "Probably Damaging"; Align-GVGD: "Class C0").